The following is an entry in ClinVar:

ClinVar aggregate classification (germline): Uncertain significance. Review status: criteria provided, multiple submitters, no conflicts (2 of 4 stars). 3 submissions from 3 submitters: Uncertain significance (3). Last evaluated 2025-05-12.

Conditions:
Cardiovascular phenotype. Identifiers: MedGen CN230736.

Allele frequency attached by ClinVar (database versions not stated): TOPMed 0.00013; ExAC 0.00002; gnomAD exomes 0.00001 and 0.00002; gnomAD 0.00009 and 0.00010; ESP Exome Variant Server 0.00008.
gnomAD v4.1: 22 of 1,609,288 alleles (0.0014%); highest among the groups gnomAD compares: African/African-American, 0.027%; no homozygotes.

Submissions (3):

Mayo Clinic Laboratories, Mayo Clinic
Classification: Uncertain significance. Last evaluated: 2025-05-12. Review status: criteria provided, single submitter. Criteria: ACMG Guidelines, 2015. Collection method: clinical testing. Allele origin: germline. Observed: 1 variant allele.
Comment: PM1

Ambry Genetics
Classification: Uncertain significance for Cardiovascular phenotype. Last evaluated: 2024-03-21. Review status: criteria provided, single submitter. Criteria: Ambry Variant Classification Scheme 2023. Collection method: clinical testing. Allele origin: germline.
Comment: The p.C321R variant (also known as c.961T>C), located in coding exon 2 of the TNXB gene, results from a T to C substitution at nucleotide position 961. The cysteine at codon 321 is replaced by arginine, an amino acid with highly dissimilar properties. This amino acid position is conserved. In addition, the in silico prediction for this alteration is inconclusive. Since supporting evidence is limited at this time, the clinical significance of this alteration remains unclear.

GeneDx
Classification: Uncertain significance. Last evaluated: 2019-07-08. Review status: criteria provided, single submitter. Criteria: GeneDx Variant Classification Process June 2021. Collection method: clinical testing. Allele origin: germline. Affected: yes.
Comment: Has not been previously published as pathogenic or benign to our knowledge; Observed in 0.003% (8/265440) of global alleles in large population cohorts (Lek et al., 2016); In silico analysis, which includes protein predictors and evolutionary conservation, supports a deleterious effect

Literature cited by the submitters: PubMed 34054795 (cited by Mayo Clinic Laboratories, Mayo Clinic).

NM_001365276.2(TNXB):c.961T>C (p.Cys321Arg)

Gene: TNXB (tenascin XB; minus strand). Cytogenetic location: 6p21.33.
Variant type: single nucleotide variant.
Coding change: c.961T>C on transcript NM_001365276.2 (MANE Select); coding-DNA position 961, T replaced by C.
Protein change: p.Cys321Arg; replaces cysteine 321 with arginine.
Molecular consequence: missense variant.
Genome position (GRCh38, 1-based): chr6:32,096,892, A>G on the plus strand (T>C on the coding strand, the complement: TNXB is on the minus strand). VCF-style: chr6-32096892-A-G. GRCh37 (hg19) VCF-style: chr6-32064669-A-G.
Other names: p.Cys321Arg; c.961T>C, p.Cys321Arg (NM_019105.8); short protein forms C321R.
Identifiers: ClinVar variation 1217889 (VCV001217889.7), dbSNP rs370616787, ClinGen allele CA3735752.